The following is an entry in ClinVar:

NM_003265.3(TLR3):c.1787A>G (p.Asn596Ser)

Gene: TLR3 (toll like receptor 3; plus strand). Cytogenetic location: 4q35.1.
Variant type: single nucleotide variant.
Coding change: c.1787A>G on transcript NM_003265.3 (MANE Select); coding-DNA position 1787, A replaced by G.
Protein change: p.Asn596Ser; replaces asparagine 596 with serine.
Molecular consequence: missense variant.
Genome position (GRCh38, 1-based): chr4:186,083,473, A>G. VCF-style: chr4-186083473-A-G. GRCh37 (hg19) VCF-style: chr4-187004627-A-G.
Other names: short protein forms N596S.
Identifiers: ClinVar variation 1979575 (VCV001979575.4), dbSNP rs1329487142, ClinGen allele CA358934100.

ClinVar aggregate classification (germline): Uncertain significance (1 of 4 stars; one submission).

Conditions:
Encephalopathy, acute, infection-induced (herpes-specific), susceptibility to, 1. Also called: Herpes simplex encephalitis, susceptibility to, 1. Identifiers: Orphanet 1930, MedGen C2750180, MONDO:0024563, OMIM 610551.

Allele frequency attached by ClinVar (database versions not stated): gnomAD exomes below 0.00001.
gnomAD v4.1: 1 of 1,608,900 alleles (0.000062%); highest among the groups gnomAD compares: Admixed American, 0.0017%; no homozygotes.

Submission:

Labcorp Genetics (formerly Invitae), Labcorp
Classification: Uncertain significance for Encephalopathy, acute, infection-induced (herpes-specific), susceptibility to, 1. Last evaluated: 2022-03-17. Review status: criteria provided, single submitter. Criteria: Invitae Variant Classification Sherloc (09022015). Collection method: clinical testing. Allele origin: germline.
Comment: This variant is present in population databases (no rsID available, gnomAD 0.003%). In summary, the available evidence is currently insufficient to determine the role of this variant in disease. Therefore, it has been classified as a Variant of Uncertain Significance. Algorithms developed to predict the effect of missense changes on protein structure and function (SIFT, PolyPhen-2, Align-GVGD) all suggest that this variant is likely to be disruptive. This variant has not been reported in the literature in individuals affected with TLR3-related conditions. This sequence change replaces asparagine, which is neutral and polar, with serine, which is neutral and polar, at codon 596 of the TLR3 protein (p.Asn596Ser).